The following is an entry in ClinVar:

NM_015331.3(NCSTN):c.136A>G (p.Lys46Glu)

Gene: NCSTN (nicastrin; plus strand). Cytogenetic location: 1q23.2.
Variant type: single nucleotide variant.
Coding change: c.136A>G on transcript NM_015331.3 (MANE Select); coding-DNA position 136, A replaced by G.
Protein change: p.Lys46Glu; replaces lysine 46 with glutamic acid.
Molecular consequence: missense variant.
Genome position (GRCh38, 1-based): chr1:160,344,772, A>G. VCF-style: chr1-160344772-A-G. GRCh37 (hg19) VCF-style: chr1-160314562-A-G.
Other names: c.76A>G, p.Lys26Glu (NM_001290184.2); c.136A>G, p.Lys46Glu (NM_001290186.2, NM_001349729.2); short protein forms K26E, K46E.
Identifiers: ClinVar variation 3710097 (VCV003710097.2).
Genomic context (GRCh38, chr1:160,344,772, plus strand): 5'-TTCCGATCAGGTTTGTGCAGGGGAAACTCAGTGGAGAGGAAGATATATATCCCCTTAAAT[A>G]AAACAGCTCCCTGTGTTCGCCTGCTCAACGCCACTCATCAGATTGGCTGCCAGTGTGAGT-3'
Protein context (NP_056146.1, residues 36-56): VERKIYIPLN[Lys46Glu]TAPCVRLLNA

ClinVar aggregate classification (germline): Uncertain significance (1 of 4 stars; one submission).

gnomAD v4.1: 1 of 1,614,176 alleles (0.000062%); highest among the groups gnomAD compares: Non-Finnish European, 0.000085%; no homozygotes.

Submission:

Labcorp Genetics (formerly Invitae), Labcorp
Classification: Uncertain significance. Last evaluated: 2024-12-26. Review status: criteria provided, single submitter. Criteria: Invitae Variant Classification Sherloc (09022015). Collection method: clinical testing. Allele origin: germline.
Comment: This sequence change replaces lysine, which is basic and polar, with glutamic acid, which is acidic and polar, at codon 46 of the NCSTN protein (p.Lys46Glu). This variant is not present in population databases (gnomAD no frequency). This variant has not been reported in the literature in individuals affected with NCSTN-related conditions. An algorithm developed to predict the effect of missense changes on protein structure and function (PolyPhen-2) suggests that this variant is likely to be tolerated. In summary, the available evidence is currently insufficient to determine the role of this variant in disease. Therefore, it has been classified as a Variant of Uncertain Significance.